The following is an entry in ClinVar:

NM_015021.3(ZNF292):c.5577A>G (p.Gln1859=)

Gene: ZNF292 (zinc finger protein 292; plus strand). Cytogenetic location: 6q14.3.
Variant type: single nucleotide variant.
Coding change: c.5577A>G on transcript NM_015021.3 (MANE Select); coding-DNA position 5577, A replaced by G.
Protein change: p.Gln1859=; no amino-acid change (glutamine 1859 retained).
Molecular consequence: synonymous variant.
Genome position (GRCh38, 1-based): chr6:87,259,206, A>G. VCF-style: chr6-87259206-A-G. GRCh37 (hg19) VCF-style: chr6-87968924-A-G.
Other names: c.5157A>G, p.Gln1719= (NM_001351444.2).
Identifiers: ClinVar variation 3044368 (VCV003044368.2), dbSNP rs61737754, ClinGen allele CA3914503.

ClinVar aggregate classification (germline): Benign (0 of 4 stars; one submission).

Conditions:
ZNF292-related disorder. Also called: ZNF292-related condition.

Allele frequency attached by ClinVar (database versions not stated): gnomAD exomes 0.00064; ExAC 0.00196; 1000 Genomes Project 30x 0.00531; 1000 Genomes Project 0.00539; gnomAD 0.00625; ESP Exome Variant Server 0.00642; TOPMed 0.00741.
gnomAD v4.1: 1,931 of 1,613,710 alleles (0.12%); highest among the groups gnomAD compares: African/African-American, 2.2%; 8 homozygotes.

Submission:

PreventionGenetics, part of Exact Sciences
Classification: Benign for ZNF292-related condition. Last evaluated: 2021-03-09. Review status: no assertion criteria provided. Collection method: clinical testing. Allele origin: germline.
Comment: This variant is classified as benign based on ACMG/AMP sequence variant interpretation guidelines (Richards et al. 2015 PMID: 25741868, with internal and published modifications).